The following is an entry in ClinVar:

NM_173569.4(UBN2):c.176C>T (p.Pro59Leu)

Genes: UBN2 (ubinuclein 2; plus strand), LOC129999464 (ATAC-STARR-seq lymphoblastoid silent region 18693; plus strand). Cytogenetic location: 7q34.
Variant type: single nucleotide variant.
Coding change: c.176C>T on transcript NM_173569.4 (MANE Select); coding-DNA position 176, C replaced by T.
Protein change: p.Pro59Leu; replaces proline 59 with leucine.
Molecular consequence: missense variant.
Genome position (GRCh38, 1-based): chr7:139,231,660, C>T. VCF-style: chr7-139231660-C-T. GRCh37 (hg19) VCF-style: chr7-138916406-C-T.
Other names: short protein forms P59L.
Identifiers: ClinVar variation 3330644 (VCV003330644.2).

ClinVar aggregate classification (germline): Uncertain significance. Review status: criteria provided, single submitter (1 of 4 stars). 2 submissions from 2 submitters: Uncertain significance (1). 1 of the submissions does not count toward it. Last evaluated 2024-04-12.

Conditions:
UBN2-related disorder. Also called: UBN2-related condition.

gnomAD v4.1: 3 of 1,198,238 alleles (0.00025%); highest among the groups gnomAD compares: South Asian, 0.004%; no homozygotes.

Submissions (2):

Ambry Genetics
Classification: Uncertain significance. Last evaluated: 2024-04-12. Review status: criteria provided, single submitter. Criteria: Ambry Variant Classification Scheme 2023. Collection method: clinical testing. Allele origin: germline.

PreventionGenetics, part of Exact Sciences
Classification: Uncertain significance for UBN2-related condition. Last evaluated: 2024-08-28. Review status: no assertion criteria provided. Collection method: clinical testing. Allele origin: germline. Not counted in ClinVar's aggregate classification.
Comment: The UBN2 c.176C>T variant is predicted to result in the amino acid substitution p.Pro59Leu. To our knowledge, this variant has not been reported in the literature or in a large population database, indicating this variant is rare. At this time, the clinical significance of this variant is uncertain due to the absence of conclusive functional and genetic evidence.